The following is an entry in ClinVar:

ClinVar aggregate classification (germline): Uncertain significance. Review status: criteria provided, multiple submitters, no conflicts (2 of 4 stars). 2 submissions from 2 submitters: Uncertain significance (2). Last evaluated 2024-12-12.

Conditions:
Hereditary cancer-predisposing syndrome. Also called: Neoplastic Syndromes, Hereditary; Hereditary Cancer Syndrome; Tumor predisposition; Hereditary neoplastic syndrome. Identifiers: Orphanet 140162, MedGen C0027672, MeSH D009386, MONDO:0015356.
Hereditary pheochromocytoma and paraganglioma. Also called: Hereditary Paraganglioma-Pheochromocytoma Syndromes; Hereditary paragangliomas and pheochromocytomas; Hereditary pheochromocytoma-paraganglioma. Identifiers: Orphanet 29072, MedGen C4274332, MONDO:0017366.

Allele frequency attached by ClinVar (database versions not stated): TOPMed below 0.00001; gnomAD 0.00001.
gnomAD v4.1: 1 of 1,614,114 alleles (0.000062%); highest among the groups gnomAD compares: Non-Finnish European, 0.000085%; no homozygotes.

Submissions (2):

Labcorp Genetics (formerly Invitae), Labcorp
Classification: Uncertain significance for Hereditary pheochromocytoma and paraganglioma. Last evaluated: 2024-12-12. Review status: criteria provided, single submitter. Criteria: Invitae Variant Classification Sherloc (09022015). Collection method: clinical testing. Allele origin: germline.
Comment: This sequence change replaces arginine, which is basic and polar, with glycine, which is neutral and non-polar, at codon 36 of the SDHAF2 protein (p.Arg36Gly). This variant is not present in population databases (gnomAD no frequency). This variant has not been reported in the literature in individuals affected with SDHAF2-related conditions. ClinVar contains an entry for this variant (Variation ID: 578021). An algorithm developed to predict the effect of missense changes on protein structure and function (PolyPhen-2) suggests that this variant¬†is likely to be tolerated. In summary, the available evidence is currently insufficient to determine the role of this variant in disease. Therefore, it has been classified as a Variant of Uncertain Significance.

Ambry Genetics
Classification: Uncertain significance for Hereditary cancer-predisposing syndrome. Last evaluated: 2024-08-26. Review status: criteria provided, single submitter. Criteria: Ambry Variant Classification Scheme 2023. Collection method: clinical testing. Allele origin: germline.
Comment: The p.R36G variant (also known as c.106A>G), located in coding exon 2 of the SDHAF2 gene, results from an A to G substitution at nucleotide position 106. The arginine at codon 36 is replaced by glycine, an amino acid with dissimilar properties. This amino acid position is well conserved in available vertebrate species. In addition, the in silico prediction for this alteration is inconclusive. Since supporting evidence is limited at this time, the clinical significance of this alteration remains unclear.

NM_017841.4(SDHAF2):c.106A>G (p.Arg36Gly)

Gene: SDHAF2 (succinate dehydrogenase complex assembly factor 2; plus strand). Cytogenetic location: 11q12.2.
Variant type: single nucleotide variant.
Coding change: c.106A>G on transcript NM_017841.4 (MANE Select); coding-DNA position 106, A replaced by G.
Protein change: p.Arg36Gly; replaces arginine 36 with glycine.
Molecular consequence: missense variant.
Genome position (GRCh38, 1-based): chr11:61,437,694, A>G. VCF-style: chr11-61437694-A-G. GRCh37 (hg19) VCF-style: chr11-61205166-A-G.
Other names: short protein forms R36G.
Identifiers: ClinVar variation 578021 (VCV000578021.13), dbSNP rs1413272315, ClinGen allele CA380683082.